The following is an entry in ClinVar:

ClinVar aggregate classification (germline): Uncertain significance (1 of 4 stars; one submission).

gnomAD v4.1: 8 of 1,614,046 alleles (0.0005%); highest among the groups gnomAD compares: Non-Finnish European, 0.00068%; no homozygotes.

Submission:

Labcorp Genetics (formerly Invitae), Labcorp
Classification: Uncertain significance. Last evaluated: 2023-08-08. Review status: criteria provided, single submitter. Criteria: Invitae Variant Classification Sherloc (09022015). Collection method: clinical testing. Allele origin: germline.
Comment: In summary, the available evidence is currently insufficient to determine the role of this variant in disease. Therefore, it has been classified as a Variant of Uncertain Significance. An algorithm developed to predict the effect of missense changes on protein structure and function (PolyPhen-2) suggests that this variant is likely to be disruptive. This variant has not been reported in the literature in individuals affected with TRAF3IP1-related conditions. This variant is not present in population databases (gnomAD no frequency). This sequence change replaces leucine, which is neutral and non-polar, with valine, which is neutral and non-polar, at codon 142 of the TRAF3IP1 protein (p.Leu142Val).

NM_015650.4(TRAF3IP1):c.424C>G (p.Leu142Val)

Gene: TRAF3IP1 (TRAF3 interacting protein 1; plus strand). Cytogenetic location: 2q37.3.
Variant type: single nucleotide variant.
Coding change: c.424C>G on transcript NM_015650.4 (MANE Select); coding-DNA position 424, C replaced by G.
Protein change: p.Leu142Val; replaces leucine 142 with valine.
Molecular consequence: missense variant.
Genome position (GRCh38, 1-based): chr2:238,328,755, C>G. VCF-style: chr2-238328755-C-G. GRCh37 (hg19) VCF-style: chr2-239237396-C-G.
Other names: c.424C>G, p.Leu142Val (NM_001139490.1); short protein forms L142V.
Identifiers: ClinVar variation 2751273 (VCV002751273.2), dbSNP rs778026365, ClinGen allele CA351243796.
Genomic context (GRCh38, chr2:238,328,755, plus strand): 5'-GACGATGCGGTGCGGAGGGTTTTAGCTGGAGAGAAGGGAGAAGTGAAAGGCCGGGCCTCA[C>G]TGACCTCAAGATCTCAGGAATTGGATAATAAGAATGTGCGAGAAGAAGAGTCCAGAGTTC-3'
Protein context (NP_056465.2, residues 132-152): EKGEVKGRAS[Leu142Val]TSRSQELDNK